The following is an entry in ClinVar:

NM_016247.4(IMPG2):c.2225T>C (p.Ile742Thr)

Gene: IMPG2 (interphotoreceptor matrix proteoglycan 2; minus strand). Cytogenetic location: 3q12.3.
Variant type: single nucleotide variant.
Coding change: c.2225T>C on transcript NM_016247.4 (MANE Select); coding-DNA position 2225, T replaced by C.
Protein change: p.Ile742Thr; replaces isoleucine 742 with threonine.
Molecular consequence: missense variant.
Genome position (GRCh38, 1-based): chr3:101,244,106, A>G on the plus strand (T>C on the coding strand, the complement: IMPG2 is on the minus strand). VCF-style: chr3-101244106-A-G. GRCh37 (hg19) VCF-style: chr3-100962950-A-G.
Other names: short protein forms I742T.
Identifiers: ClinVar variation 1942931 (VCV001942931.2), dbSNP rs2508943733, ClinGen allele CA353858333.

ClinVar aggregate classification (germline): Uncertain significance (1 of 4 stars; one submission).

Submission:

Labcorp Genetics (formerly Invitae), Labcorp
Classification: Uncertain significance. Last evaluated: 2022-08-12. Review status: criteria provided, single submitter. Criteria: Invitae Variant Classification Sherloc (09022015). Collection method: clinical testing. Allele origin: germline.
Comment: This sequence change replaces isoleucine, which is neutral and non-polar, with threonine, which is neutral and polar, at codon 742 of the IMPG2 protein (p.Ile742Thr). This variant is not present in population databases (gnomAD no frequency). This variant has not been reported in the literature in individuals affected with IMPG2-related conditions. Algorithms developed to predict the effect of missense changes on protein structure and function are either unavailable or do not agree on the potential impact of this missense change (SIFT: "Deleterious"; PolyPhen-2: "Benign"; Align-GVGD: "Class C0"). In summary, the available evidence is currently insufficient to determine the role of this variant in disease. Therefore, it has been classified as a Variant of Uncertain Significance.